The following is an entry in ClinVar:

NM_015629.4(PRPF31):c.1149C>A (p.Ile383=)

Gene: PRPF31 (pre-mRNA processing factor 31; plus strand). Cytogenetic location: 19q13.42.
Variant type: single nucleotide variant.
Coding change: c.1149C>A on transcript NM_015629.4 (MANE Select); coding-DNA position 1149, C replaced by A.
Protein change: p.Ile383=; no amino-acid change (isoleucine 383 retained).
Molecular consequence: synonymous variant.
Genome position (GRCh38, 1-based): chr19:54,129,059, C>A. VCF-style: chr19-54129059-C-A. GRCh37 (hg19) VCF-style: chr19-54632434-C-A.
Identifiers: ClinVar variation 2833236 (VCV002833236.3), dbSNP rs750245767, ClinGen allele CA2587006195.

ClinVar aggregate classification (germline): Uncertain significance (1 of 4 stars; one submission).

Submission:

Labcorp Genetics (formerly Invitae), Labcorp
Classification: Uncertain significance. Last evaluated: 2023-02-06. Review status: criteria provided, single submitter. Criteria: Invitae Variant Classification Sherloc (09022015). Collection method: clinical testing. Allele origin: germline.
Comment: This variant is not present in population databases (gnomAD no frequency). This variant has not been reported in the literature in individuals affected with PRPF31-related conditions. This sequence change affects codon 383 of the PRPF31 mRNA. It is a 'silent' change, meaning that it does not change the encoded amino acid sequence of the PRPF31 protein. In summary, the available evidence is currently insufficient to determine the role of this variant in disease. Therefore, it has been classified as a Variant of Uncertain Significance. Algorithms developed to predict the effect of sequence changes on RNA splicing suggest that this variant may create or strengthen a splice site.